The following is an entry in ClinVar:

ClinVar aggregate classification (germline): Likely benign (0 of 4 stars; one submission).

Conditions:
CADPS2-related disorder. Also called: CADPS2-related condition.

Allele frequency attached by ClinVar (database versions not stated): ESP Exome Variant Server 0.00017; 1000 Genomes Project 30x 0.00047; ExAC 0.00070; gnomAD 0.00072; gnomAD exomes 0.00094.
gnomAD v4.1: 1,394 of 1,556,980 alleles (0.09%); highest among the groups gnomAD compares: Non-Finnish European, 0.11%; 2 homozygotes.

Submission:

PreventionGenetics, part of Exact Sciences
Classification: Likely benign for CADPS2-related condition. Last evaluated: 2021-08-12. Review status: no assertion criteria provided. Collection method: clinical testing. Allele origin: germline.
Comment: This variant is classified as likely benign based on ACMG/AMP sequence variant interpretation guidelines (Richards et al. 2015 PMID: 25741868, with internal and published modifications).

NM_017954.11(CADPS2):c.875A>G (p.Lys292Arg)

Gene: CADPS2 (calcium dependent secretion activator 2; minus strand). Cytogenetic location: 7q31.32.
Variant type: single nucleotide variant.
Coding change: c.875A>G on transcript NM_017954.11 (MANE Select); coding-DNA position 875, A replaced by G.
Protein change: p.Lys292Arg; replaces lysine 292 with arginine.
Molecular consequence: missense variant.
Genome position (GRCh38, 1-based): chr7:122,621,710, T>C on the plus strand (A>G on the coding strand, the complement: CADPS2 is on the minus strand). VCF-style: chr7-122621710-T-C. GRCh37 (hg19) VCF-style: chr7-122261764-T-C.
Other names: c.875A>G, p.Lys292Arg (NM_001009571.4, NM_001167940.2, NM_001363389.2 and 9 more transcripts); c.392A>G, p.Lys131Arg (NM_001363399.2, NM_001363400.2); short protein forms K131R, K292R.
Identifiers: ClinVar variation 3040115 (VCV003040115.2), dbSNP rs183005983, ClinGen allele CA4459967.